The following is an entry in ClinVar:

NM_001105562.3(UBE4B):c.3624C>G (p.Ala1208=)

Gene: UBE4B (ubiquitination factor E4B; plus strand). Cytogenetic location: 1p36.22.
Variant type: single nucleotide variant.
Coding change: c.3624C>G on transcript NM_001105562.3 (MANE Select); coding-DNA position 3624, C replaced by G.
Protein change: p.Ala1208=; no amino-acid change (alanine 1208 retained).
Molecular consequence: synonymous variant.
Genome position (GRCh38, 1-based): chr1:10,178,742, C>G. VCF-style: chr1-10178742-C-G. GRCh37 (hg19) VCF-style: chr1-10238800-C-G.
Other names: c.3777C>G, p.Ala1259= (NM_001410744.1); c.3237C>G, p.Ala1079= (NM_006048.5).
Identifiers: ClinVar variation 4820879 (VCV004820879.4).

ClinVar aggregate classification (germline): Likely benign (1 of 4 stars; one submission).

gnomAD v4.1: 431 of 1,613,734 alleles (0.027%); highest among the groups gnomAD compares: African/African-American, 0.5%; 1 homozygote.

Submission:

CeGaT Center for Human Genetics Tuebingen
Classification: Likely benign. Last evaluated: 2026-01-01. Review status: criteria provided, single submitter. Criteria: CeGaT Center For Human Genetics Tuebingen Variant Classification Criteria Version 2. Collection method: clinical testing. Allele origin: germline. Affected: yes. Observed: 1 variant allele.
Comment: UBE4B: BP4, BP7